The following is an entry in ClinVar:

NM_017514.5(PLXNA3):c.1425C>T (p.Ile475=)

Gene: PLXNA3 (plexin A3; plus strand). Cytogenetic location: Xq28.
Variant type: single nucleotide variant.
Coding change: c.1425C>T on transcript NM_017514.5 (MANE Select); coding-DNA position 1425, C replaced by T.
Protein change: p.Ile475=; no amino-acid change (isoleucine 475 retained).
Molecular consequence: synonymous variant.
Genome position (GRCh38, 1-based): chrX:154,463,498, C>T. VCF-style: chrX-154463498-C-T. GRCh37 (hg19) VCF-style: chrX-153691841-C-T.
Identifiers: ClinVar variation 4992620 (VCV004992620.1).

ClinVar aggregate classification (germline): Likely benign (1 of 4 stars; one submission).

Conditions:
PLXNA3-related disorder. Also called: PLXNA3-related condition.

Submission:

PreventionGenetics, part of Exact Sciences
Classification: Likely benign for PLXNA3-related condition. Last evaluated: 2025-10-06. Review status: criteria provided, single submitter. Criteria: ACMG Guidelines, 2015. Collection method: clinical testing. Allele origin: germline.
Comment: This variant is classified as likely benign based on ACMG/AMP sequence variant interpretation guidelines (Richards et al. 2015 PMID: 25741868, with internal and published modifications).